The following is an entry in ClinVar:

ClinVar aggregate classification (germline): Pathogenic/Likely pathogenic. Review status: criteria provided, multiple submitters, no conflicts (2 of 4 stars). 2 submissions from 2 submitters: Pathogenic (1); Likely pathogenic (1). Last evaluated 2023-01-17.

Conditions:
Lysinuric protein intolerance (LPI). Identifiers: Orphanet 470, MedGen C0268647, MONDO:0009109, OMIM 222700.

gnomAD v4.1: 2 of 1,614,070 alleles (0.00012%); highest among the groups gnomAD compares: South Asian, 0.0022%; no homozygotes.

Submissions (2):

Baylor Genetics
Classification: Likely pathogenic for Lysinuric protein intolerance. Last evaluated: 2023-01-17. Review status: criteria provided, single submitter. Criteria: ACMG Guidelines, 2015. Collection method: clinical testing. Allele origin: unknown.

Labcorp Genetics (formerly Invitae), Labcorp
Classification: Pathogenic for Lysinuric protein intolerance. Last evaluated: 2020-12-17. Review status: criteria provided, single submitter. Criteria: Invitae Variant Classification Sherloc (09022015). Collection method: clinical testing. Allele origin: germline.
Comment: For these reasons, this variant has been classified as Pathogenic. Algorithms developed to predict the effect of sequence changes on RNA splicing suggest that this variant may disrupt the consensus splice site, but this prediction has not been confirmed by published transcriptional studies. Disruption of this splice site has been observed in individual(s) with lysinuric protein intolerance (PMID: 10631139, 29058386). It has also been observed to segregate with disease in related individuals. This variant is not present in population databases (ExAC no frequency). This sequence change affects a donor splice site in intron 4 of the SLC7A7 gene. It is expected to disrupt RNA splicing. Variants that disrupt the donor or acceptor splice site typically lead to a loss of protein function (PMID: 16199547), and loss-of-function variants in SLC7A7 are known to be pathogenic (PMID: 10631139, 17764084).

Literature cited by the submitters: PubMed 10631139 (cited by Labcorp Genetics (formerly Invitae), Labcorp); PubMed 29058386 (cited by Labcorp Genetics (formerly Invitae), Labcorp); PubMed 16199547 (cited by Labcorp Genetics (formerly Invitae), Labcorp); PubMed 17764084 (cited by Labcorp Genetics (formerly Invitae), Labcorp).

NM_003982.4(SLC7A7):c.625+1G>T

Gene: SLC7A7 (solute carrier family 7 member 7; minus strand). Cytogenetic location: 14q11.2.
Variant type: single nucleotide variant.
Coding change: c.625+1G>T on transcript NM_003982.4 (MANE Select); the canonical splice donor site of the intron after coding-DNA position 625, G replaced by T.
Molecular consequence: splice donor variant.
Genome position (GRCh38, 1-based): chr14:22,779,925, C>A on the plus strand (G>T on the coding strand, the complement: SLC7A7 is on the minus strand). VCF-style: chr14-22779925-C-A. GRCh37 (hg19) VCF-style: chr14-23249134-C-A.
Other names: c.625+1G>T (NM_001126106.4, NM_001126105.3).
Identifiers: ClinVar variation 1391087 (VCV001391087.9), dbSNP rs386833822, ClinGen allele CA388924187.